The following is an entry in ClinVar:

ClinVar aggregate classification (germline): Uncertain significance. Review status: criteria provided, multiple submitters, no conflicts (2 of 4 stars). 2 submissions from 2 submitters: Uncertain significance (2). Last evaluated 2024-12-23.

Allele frequency attached by ClinVar (database versions not stated): TOPMed below 0.00001; gnomAD 0.00001; gnomAD exomes 0.00001; ExAC 0.00002.
gnomAD v4.1: 22 of 1,614,106 alleles (0.0014%); highest among the groups gnomAD compares: Non-Finnish European, 0.0015%; no homozygotes.

Submissions (2):

Labcorp Genetics (formerly Invitae), Labcorp
Classification: Uncertain significance. Last evaluated: 2024-12-23. Review status: criteria provided, single submitter. Criteria: Invitae Variant Classification Sherloc (09022015). Collection method: clinical testing. Allele origin: germline.
Comment: This sequence change replaces proline, which is neutral and non-polar, with serine, which is neutral and polar, at codon 634 of the FBN3 protein (p.Pro634Ser). This variant is present in population databases (rs778046533, gnomAD 0.002%). This variant has not been reported in the literature in individuals affected with FBN3-related conditions. ClinVar contains an entry for this variant (Variation ID: 3093365). Invitae Evidence Modeling of protein sequence and biophysical properties (such as structural, functional, and spatial information, amino acid conservation, physicochemical variation, residue mobility, and thermodynamic stability) indicates that this missense variant is not expected to disrupt FBN3 protein function with a negative predictive value of 80%. In summary, the available evidence is currently insufficient to determine the role of this variant in disease. Therefore, it has been classified as a Variant of Uncertain Significance.

Ambry Genetics
Classification: Uncertain significance. Last evaluated: 2023-12-19. Review status: criteria provided, single submitter. Criteria: Ambry Variant Classification Scheme 2023. Collection method: clinical testing. Allele origin: germline.

NM_032447.5(FBN3):c.1900C>T (p.Pro634Ser)

Gene: FBN3 (fibrillin 3; minus strand). Cytogenetic location: 19p13.2.
Variant type: single nucleotide variant.
Coding change: c.1900C>T on transcript NM_032447.5 (MANE Select); coding-DNA position 1900, C replaced by T.
Protein change: p.Pro634Ser; replaces proline 634 with serine.
Molecular consequence: missense variant.
Genome position (GRCh38, 1-based): chr19:8,131,644, G>A on the plus strand (C>T on the coding strand, the complement: FBN3 is on the minus strand). VCF-style: chr19-8131644-G-A. GRCh37 (hg19) VCF-style: chr19-8196528-G-A.
Other names: c.1900C>T, p.Pro634Ser (NM_001321431.2); short protein forms P634S.
Identifiers: ClinVar variation 3093365 (VCV003093365.3), dbSNP rs778046533, ClinGen allele CA9153118.